The following is an entry in ClinVar:

ClinVar aggregate classification (germline): Likely pathogenic (1 of 4 stars; one submission).

Conditions:
Polycystic kidney disease 4 (PKD4). Also called: POLYCYSTIC KIDNEY AND HEPATIC DISEASE 1; POLYCYSTIC KIDNEY DISEASE, INFANTILE, TYPE I; POLYCYSTIC KIDNEY DISEASE 4 WITH OR WITHOUT POLYCYSTIC LIVER DISEASE; PKD3; Autosomal Recessive Polycystic Kidney Disease – PKHD1. Identifiers: MedGen C4540575, MONDO:0033004, OMIM 263200.

Submission:

Myriad Genetics, Inc.
Classification: Likely pathogenic for Polycystic kidney disease 4. Last evaluated: 2022-01-02. Review status: criteria provided, single submitter. Criteria: Myriad Women's Health Autosomal Recessive and X-Linked Classification Criteria (2021). Collection method: clinical testing. Allele origin: unknown.
Comment: NM_138694.3(PKHD1):c.4361delG(G1454Efs*6) is expected to be pathogenic in the context of autosomal recessive polycystic kidney disease, PKHD1-related. This variant is predicted to lead to an abnormal or absent protein product due to the creation of a premature termination codon in PKHD1, a gene where loss-of-function variants are known to be pathogenic. Please note: this variant was assessed in the context of healthy population screening.

NM_138694.4(PKHD1):c.4361del (p.Gly1454fs)

Gene: PKHD1 (PKHD1 ciliary IPT domain containing fibrocystin/polyductin; minus strand). Cytogenetic location: 6p12.2.
Variant type: Deletion.
Coding change: c.4361del on transcript NM_138694.4 (MANE Select); coding-DNA position 4361, one base deleted (G; older notation c.4361delG).
Protein change: p.Gly1454fs; shifts the reading frame from glycine 1454.
Molecular consequence: frameshift variant.
Genome position (GRCh38, 1-based): chr6:52,025,449, C deleted on the plus strand (G on the coding strand, the reverse complement: PKHD1 is on the minus strand); the first of 2 consecutive C bases (chr6:52,025,449-52,025,450); deleting either gives the same sequence. VCF-style (leftmost placement, unchanged base first): chr6-52025448-TC-T. GRCh37 (hg19) VCF-style: chr6-51890246-TC-T.
Other names: c.4361del, p.Gly1454fs (NM_170724.3); short protein forms G1454fs.
Identifiers: ClinVar variation 1726936 (VCV001726936.2), dbSNP rs2532715317, ClinGen allele CA2580075536.